The following is an entry in ClinVar:

ClinVar aggregate classification (germline): Uncertain significance (1 of 4 stars; one submission).

Conditions:
Autosomal recessive limb-girdle muscular dystrophy type 2P. Also called: MUSCULAR DYSTROPHY-DYSTROGLYCANOPATHY, LIMB-GIRDLE, DAG1-RELATED; MUSCULAR DYSTROPHY, LIMB-GIRDLE, TYPE 2P; Limb-Girdle Muscular Dystrophy Type 9C. Identifiers: Orphanet 280333, MedGen C4511963, MONDO:0013440, OMIM 613818.
Muscular dystrophy-dystroglycanopathy (congenital with brain and eye anomalies), type A9. Also called: Muscular dystrophy-dystroglycanopathy (congenital with brain and eye anomalies), type a, 9; WALKER-WARBURG SYNDROME OR MUSCLE-EYE BRAIN DISEASE, DAG1-RELATED. Identifiers: Orphanet 370997, Orphanet 899, MedGen C4225291, MONDO:0014683, OMIM 616538.

Allele frequency attached by ClinVar (database versions not stated): gnomAD exomes below 0.00001; ExAC 0.00001; TOPMed 0.00001.
gnomAD v4.1: 2 of 1,613,912 alleles (0.00012%); highest among the groups gnomAD compares: Non-Finnish European, 0.00017%; no homozygotes.

Submission:

Labcorp Genetics (formerly Invitae), Labcorp
Classification: Uncertain significance for Autosomal recessive limb-girdle muscular dystrophy type 2P; Muscular dystrophy-dystroglycanopathy (congenital with brain and eye anomalies), type A9. Last evaluated: 2022-08-09. Review status: criteria provided, single submitter. Criteria: Invitae Variant Classification Sherloc (09022015). Collection method: clinical testing. Allele origin: germline.
Comment: In summary, the available evidence is currently insufficient to determine the role of this variant in disease. Therefore, it has been classified as a Variant of Uncertain Significance. Algorithms developed to predict the effect of missense changes on protein structure and function (SIFT, PolyPhen-2, Align-GVGD) all suggest that this variant is likely to be tolerated. This variant has not been reported in the literature in individuals affected with DAG1-related conditions. This variant is present in population databases (rs777823248, gnomAD 0.003%). This sequence change replaces histidine, which is basic and polar, with arginine, which is basic and polar, at codon 315 of the DAG1 protein (p.His315Arg).

NM_004393.6(DAG1):c.944A>G (p.His315Arg)

Gene: DAG1 (dystroglycan 1; plus strand). Cytogenetic location: 3p21.31.
Variant type: single nucleotide variant.
Coding change: c.944A>G on transcript NM_004393.6 (MANE Select); coding-DNA position 944, A replaced by G.
Protein change: p.His315Arg; replaces histidine 315 with arginine.
Molecular consequence: missense variant.
Genome position (GRCh38, 1-based): chr3:49,531,455, A>G. VCF-style: chr3-49531455-A-G. GRCh37 (hg19) VCF-style: chr3-49568888-A-G.
Other names: c.944A>G, p.His315Arg (NM_001165928.4, NM_001177634.3, NM_001177635.3 and 9 more transcripts); short protein forms H315R.
Identifiers: ClinVar variation 1943393 (VCV001943393.5), dbSNP rs777823248, ClinGen allele CA2398989.